The following is an entry in ClinVar:

NM_024795.4(TM4SF20):c.249+769_401+102del

Gene: TM4SF20 (transmembrane 4 L six family member 20; minus strand). Cytogenetic location: 2q36.3.
Variant type: Deletion.
Coding change: c.249+769_401+102del on transcript NM_024795.4 (MANE Select); 769 bases into the intron after coding-DNA position 249 through 102 bases into the intron after coding-DNA position 401, 4,156 bases deleted.
Molecular consequence: splice acceptor variant, splice donor variant.
Genome position (GRCh38, 1-based): chr2:227,365,991-227,370,146, 4,156 bases deleted. GRCh37 (hg19): chr2:228,230,707-228,234,862.
Identifiers: ClinVar variation 4871882 (VCV004871882.1).

ClinVar aggregate classification (germline): Pathogenic (1 of 4 stars; one submission).

Conditions:
Specific language impairment 5 (SLI5). Identifiers: MedGen C3809483, MONDO:0014184, OMIM 615432.

Submission:

Clinical Genetics Laboratory, Region Ostergotland
Classification: Pathogenic for Specific language impairment 5. Last evaluated: 2025-11-14. Review status: criteria provided, single submitter. Criteria: ACMG Guidelines, 2015. Collection method: clinical testing. Allele origin: germline.
Comment: The NM_024795.4(TM4SF20):c.249+769_401+102del variant is not found in population database (gnomAD v4.1.1). The deletion is predicted to include the entire third exon and introduces a premature STOP codon (p.Met84Ter)) in exon 4, which is predicted to result in a truncated protein. The deletion is associated with susceptibility to early language delay and cerebral white matter hyperintensities (PMID:23810381). The following ACMG/AMP criteria were applied in classifying this variant as Pathogenic: PM2, PVS1, PS4

Literature cited by the submitters: PubMed 23810381.